The following is an entry in ClinVar:

NM_005477.3(HCN4):c.2261A>G (p.His754Arg)

Gene: HCN4 (hyperpolarization activated cyclic nucleotide gated potassium channel 4; minus strand). Cytogenetic location: 15q24.1.
Variant type: single nucleotide variant.
Coding change: c.2261A>G on transcript NM_005477.3 (MANE Select); coding-DNA position 2261, A replaced by G.
Protein change: p.His754Arg; replaces histidine 754 with arginine.
Molecular consequence: missense variant.
Genome position (GRCh38, 1-based): chr15:73,323,832, T>C on the plus strand (A>G on the coding strand, the complement: HCN4 is on the minus strand). VCF-style: chr15-73323832-T-C. GRCh37 (hg19) VCF-style: chr15-73616173-T-C.
Other names: short protein forms H754R.
Identifiers: ClinVar variation 222649 (VCV000222649.2), dbSNP rs762856084, ClinGen allele CA353926.

ClinVar aggregate classification (germline): Uncertain significance (1 of 4 stars; one submission).

Conditions:
Cardiovascular phenotype. Identifiers: MedGen CN230736.

Allele frequency attached by ClinVar (database versions not stated): gnomAD exomes below 0.00001; ExAC 0.00001.
gnomAD v4.1: 2 of 1,606,032 alleles (0.00012%); highest among the groups gnomAD compares: South Asian, 0.0011%; no homozygotes.

Submission:

Molecular Diagnostic Laboratory for Inherited Cardiovascular Disease, Montreal Heart Institute
Classification: Uncertain significance for Cardiovascular phenotype. Last evaluated: 2025-04-09. Review status: criteria provided, single submitter. Criteria: ACMG Guidelines, 2015. Collection method: clinical testing. Allele origin: germline. Affected: yes.
Comment: PM2